The following is an entry in ClinVar:

NM_001366521.1(ATP2B1):c.2287C>G (p.Arg763Gly)

Gene: ATP2B1 (ATPase plasma membrane Ca2+ transporting 1; minus strand). Cytogenetic location: 12q21.33.
Variant type: single nucleotide variant.
Coding change: c.2287C>G on transcript NM_001366521.1 (MANE Select); coding-DNA position 2287, C replaced by G.
Protein change: p.Arg763Gly; replaces arginine 763 with glycine.
Molecular consequence: missense variant. On other transcripts: non-coding transcript variant (3).
Genome position (GRCh38, 1-based): chr12:89,610,469, G>C on the plus strand (C>G on the coding strand, the complement: ATP2B1 is on the minus strand). VCF-style: chr12-89610469-G-C. GRCh37 (hg19) VCF-style: chr12-90004246-G-C.
Other names: c.2287C>G, p.Arg763Gly (NM_001001323.2, NM_001366520.1, NM_001366522.1 and 12 more transcripts); c.2089C>G, p.Arg697Gly (NM_001366530.1, NM_001413053.1); c.2044C>G, p.Arg682Gly (NM_001413054.1); c.2146C>G, p.Arg716Gly (NM_001413055.1, NM_001413051.1, NM_001413052.1); c.2032C>G, p.Arg678Gly (NM_001413056.1); c.1834C>G, p.Arg612Gly (NM_001413057.1); c.1726C>G, p.Arg576Gly (NM_001413058.1, NM_001413059.1, NM_001413060.1 and 2 more transcripts); c.2248C>G, p.Arg750Gly (NM_001413048.1); and 1 more; short protein forms R576G, R612G, R678G, R682G, R697G, R716G, R750G, R763G.
Identifiers: ClinVar variation 4535575 (VCV004535575.4).

ClinVar aggregate classification (germline): Uncertain significance. Review status: criteria provided, multiple submitters, no conflicts (2 of 4 stars). 3 submissions from 3 submitters: Uncertain significance (3). Last evaluated 2025-10-24.

Conditions:
Intellectual developmental disorder, autosomal dominant 66. Also called: MENTAL RETARDATION, AUTOSOMAL DOMINANT 66. Identifiers: MedGen C5677000, MONDO:0030891, OMIM 619910.
Inborn genetic diseases. Identifiers: MedGen C0950123, MeSH D030342.

Submissions (3):

Ambry Genetics
Classification: Uncertain significance for Inborn genetic diseases. Last evaluated: 2025-10-24. Review status: criteria provided, single submitter. Criteria: Ambry Variant Classification Scheme 2023. Collection method: clinical testing. Allele origin: germline.
Comment: The c.2287C>G (p.R763G) alteration is located in exon 13 (coding exon 13) of the ATP2B1 gene. This alteration results from a C to G substitution at nucleotide position 2287, causing the arginine (R) at amino acid position 763 to be replaced by a glycine (G). Based on data from gnomAD, the G allele has an overall frequency of <0.001% (1/251180) total alleles studied. The highest observed frequency was 0.001% (1/113530) of European (non-Finnish) alleles. Based on insufficient or conflicting evidence, the clinical significance of this alteration remains unclear.

Women's Health and Genetics/Laboratory Corporation of America, LabCorp
Classification: Uncertain significance. Last evaluated: 2025-09-11. Review status: criteria provided, single submitter. Criteria: LabCorp Variant Classification Summary - May 2015. Collection method: clinical testing. Allele origin: germline.
Comment: Variant summary: ATP2B1 c.2287C>G (p.Arg763Gly) results in a non-conservative amino acid change in the encoded protein sequence. Algorithms developed to predict the effect of missense changes on protein structure and function all suggest that this variant is likely to be disruptive. The variant allele was found at a frequency of 4e-06 in 251180 control chromosomes. The available data on variant occurrences in the general population are insufficient to allow any conclusion about variant significance. To our knowledge, no occurrence of c.2287C>G in individuals affected with ATP2B1-related conditions and no experimental evidence demonstrating its impact on protein function have been reported. A different missense at the same codon (R763P) is reported as a de novo variant in an affected individual (PMID 35358416), supporting the functional importance of this residue. No submitters have cited clinical-significance assessments for this variant to ClinVar. Based on the evidence outlined above, the variant was classified as uncertain significance.

Juno Genomics, Hangzhou Juno Genomics, Inc
Classification: Uncertain significance for Intellectual developmental disorder, autosomal dominant 66. Review status: criteria provided, single submitter. Criteria: ACMG Guidelines, 2015. Collection method: clinical testing. Allele origin: germline.
Comment: Absent from controls (or at extremely low frequency if recessive) in Genome Aggregation Database.;Missense variant in a gene that has a low rate of benign missense variation.;Multiple lines of computational evidence support a deleterious effect on the gene or gene product.